The following is an entry in ClinVar:

ClinVar aggregate classification (germline): Benign (1 of 4 stars; one submission).

Conditions:
Acrodysostosis 2 with or without hormone resistance. Also called: ACRODYSOSTOSIS 2 WITH HORMONE RESISTANCE; ACRODYSOSTOSIS 2 WITHOUT HORMONE RESISTANCE. Identifiers: Orphanet 280651, MedGen C3553250, MONDO:0013822, OMIM 614613.

Allele frequency attached by ClinVar (database versions not stated): 1000 Genomes Project 0.00200; 1000 Genomes Project 30x 0.00219; gnomAD 0.00256 and 0.00275; TOPMed 0.00291.
gnomAD v4.1: 388 of 152,308 alleles (0.25%); highest among the groups gnomAD compares: African/African-American, 0.78%; no homozygotes.

Submission:

Illumina Laboratory Services, Illumina
Classification: Benign for Acrodysostosis 2 with or without hormone resistance. Last evaluated: 2018-01-13. Review status: criteria provided, single submitter. Criteria: ICSL Variant Classification Criteria 13 December 2019. Collection method: clinical testing. Allele origin: germline.
Comment: This variant was observed in the ICSL laboratory as part of a predisposition screen in an ostensibly healthy population. It had not been previously curated by ICSL or reported in the Human Gene Mutation Database (HGMD: prior to June 1st, 2018), and was therefore a candidate for classification through an automated scoring system. Utilizing variant allele frequency, disease prevalence and penetrance estimates, and inheritance mode, an automated score was calculated to assess if this variant is too frequent to cause the disease. Based on the score and internal cut-off values, a variant classified as benign is not then subjected to further curation. The score for this variant resulted in a classification of benign for this disease.

NM_001104631.2(PDE4D):c.*1323A>T

Gene: PDE4D (phosphodiesterase 4D; minus strand). Cytogenetic location: 5q11.2.
Variant type: single nucleotide variant.
Coding change: c.*1323A>T on transcript NM_001104631.2 (MANE Select); 1323 bases downstream of the stop codon, A replaced by T.
Molecular consequence: 3 prime UTR variant.
Genome position (GRCh38, 1-based): chr5:58,973,341, T>A on the plus strand (A>T on the coding strand, the complement: PDE4D is on the minus strand). VCF-style: chr5-58973341-T-A. GRCh37 (hg19) VCF-style: chr5-58269168-T-A.
Other names: c.*1323A>T (NM_001165899.2, NM_001197218.2, NM_001197219.2 and 11 more transcripts).
Identifiers: ClinVar variation 353965 (VCV000353965.5), dbSNP rs149834563, ClinGen allele CA10622058.